The following is an entry in ClinVar:

ClinVar aggregate classification (germline): Uncertain significance. Review status: criteria provided, multiple submitters, no conflicts (2 of 4 stars). 2 submissions from 2 submitters: Uncertain significance (2). Last evaluated 2025-12-17.

Conditions:
Familial thoracic aortic aneurysm and aortic dissection (TAAD). Also called: Thoracic aortic aneurysms and dissections. Identifiers: Orphanet 91387, MedGen C4707243, MONDO:0019625.
Aortic aneurysm, familial thoracic 4 (AAT4). Also called: AORTIC ANEURYSM/AORTIC DISSECTION AND PATENT DUCTUS ARTERIOSUS. Identifiers: MedGen C1851504, MONDO:0007568, OMIM 132900.

Submissions (2):

Labcorp Genetics (formerly Invitae), Labcorp
Classification: Uncertain significance for Aortic aneurysm, familial thoracic 4. Last evaluated: 2025-12-17. Review status: criteria provided, single submitter. Criteria: Invitae Variant Classification Sherloc (09022015). Collection method: clinical testing. Allele origin: germline.
Comment: This sequence change replaces aspartic acid, which is acidic and polar, with glutamic acid, which is acidic and polar, at codon 1357 of the MYH11 protein (p.Asp1357Glu). This variant is not present in population databases (gnomAD no frequency). This variant has not been reported in the literature in individuals affected with MYH11-related conditions. ClinVar contains an entry for this variant (Variation ID: 3074810). Invitae Evidence Modeling of protein sequence and biophysical properties (such as structural, functional, and spatial information, amino acid conservation, physicochemical variation, residue mobility, and thermodynamic stability) indicates that this missense variant is not expected to disrupt MYH11 protein function with a negative predictive value of 95%. In summary, the available evidence is currently insufficient to determine the role of this variant in disease. Therefore, it has been classified as a Variant of Uncertain Significance.

All of Us Research Program, National Institutes of Health
Classification: Uncertain significance for Familial thoracic aortic aneurysm and aortic dissection. Last evaluated: 2023-12-13. Review status: criteria provided, single submitter. Criteria: ACMG Guidelines, 2015. Collection method: clinical testing. Allele origin: germline. Inheritance: Autosomal dominant inheritance. Observed: 1 variant allele, 1 heterozygote.
Comment: This missense variant replaces aspartic acid with glutamic acid at codon 1357 of the MYH11 protein. Computational prediction suggests that this variant may not impact protein structure and function (internally defined REVEL score threshold <= 0.5, PMID: 27666373). To our knowledge, functional studies have not been reported for this variant. This variant has not been reported in individuals affected with MYH11-related disorders in the literature. This variant has not been identified in the general population by the Genome Aggregation Database (gnomAD). The available evidence is insufficient to determine the role of this variant in disease conclusively. Therefore, this variant is classified as a Variant of Uncertain Significance.

This study involves interpretation of variants in research participants for the purpose of population health screening. Participant phenotype was not available at the time of variant classification. Additional details can be found in publication PMID: 35346344, PMCID: PMC8962531

NM_002474.3(MYH11):c.4050C>G (p.Asp1350Glu)

Genes: NDE1 (nudE neurodevelopment protein 1; plus strand), MYH11 (myosin heavy chain 11; minus strand). Cytogenetic location: 16p13.11.
Variant type: single nucleotide variant.
Coding change: c.4050C>G on transcript NM_002474.3 (MANE Select); coding-DNA position 4050, C replaced by G.
Protein change: p.Asp1350Glu; replaces aspartic acid 1350 with glutamic acid.
Molecular consequence: missense variant. On other transcripts: 3 prime UTR variant (2).
Genome position (GRCh38, 1-based): chr16:15,724,713, G>C on the plus strand (C>G on the coding strand, the complement: MYH11 is on the minus strand). VCF-style: chr16-15724713-G-C. GRCh37 (hg19) VCF-style: chr16-15818570-G-C.
Other names: c.4071C>G, p.Asp1357Glu (NM_001040113.2, NM_001040114.2); c.4050C>G, p.Asp1350Glu (NM_022844.3); c.*462G>C (NM_001143979.2, NM_017668.3); short protein forms D1350E, D1357E.
Identifiers: ClinVar variation 3074810 (VCV003074810.2), dbSNP rs2506143908, ClinGen allele CA394858293.